The following is an entry in ClinVar:

NM_004369.4(COL6A3):c.4184G>A (p.Arg1395Gln)

Gene: COL6A3 (collagen type VI alpha 3 chain; minus strand). Cytogenetic location: 2q37.3.
Variant type: single nucleotide variant.
Coding change: c.4184G>A on transcript NM_004369.4 (MANE Select); coding-DNA position 4184, G replaced by A.
Protein change: p.Arg1395Gln; replaces arginine 1395 with glutamine.
Molecular consequence: missense variant.
Genome position (GRCh38, 1-based): chr2:237,371,833, C>T on the plus strand (G>A on the coding strand, the complement: COL6A3 is on the minus strand). VCF-style: chr2-237371833-C-T. GRCh37 (hg19) VCF-style: chr2-238280476-C-T.
Other names: c.2963G>A, p.Arg988Gln (NM_057164.5); c.3566G>A, p.Arg1189Gln (NM_057165.5, NM_057167.4); c.2363G>A, p.Arg788Gln (NM_057166.5); short protein forms R788Q, R988Q, R1189Q.
Identifiers: ClinVar variation 94929 (VCV000094929.31), dbSNP rs80272723, ClinGen allele CA147959.
Genomic context (GRCh38, chr2:237,371,833, plus strand): 5'-TGCTCTGAGGTCAGGGTCGTGATGGGCGTCAGCAGTTTCTGCTCCAGGCTGGGCAGCTCC[C>T]GGAAGGTGCTCACCGAGAACACATATTCGGGGCTCAGCGAGATCTTCACCAGCTCCTCCT-3'
Protein context (NP_004360.2, residues 1385-1405): PEYVFSVSTF[Arg1395Gln]ELPSLEQKLL

ClinVar aggregate classification (germline): Conflicting classifications of pathogenicity. Review status: criteria provided, conflicting classifications (1 of 4 stars). 12 submissions from 12 submitters: Uncertain significance (1); Benign (6); Likely benign (4). 1 of the submissions does not count toward it. Last evaluated 2026-02-02.

Conditions:
Bethlem myopathy 1A. Also called: MYOPATHY, BENIGN CONGENITAL, WITH CONTRACTURES; Bethlem myopathy 1; Bethlem Muscular Dystrophy. Identifiers: Orphanet 610, MedGen CN029274, MONDO:0024530, OMIM 158810.
Ullrich congenital muscular dystrophy 1A. Also called: Intermediate COL6-RD; Ullrich congenital muscular dystrophy 1. Identifiers: Orphanet 75840, MedGen C0410179, MONDO:0009681, OMIM 254090.
Dystonia 27 (DYT27). Identifiers: Orphanet 464440, MedGen C4225336, MONDO:0014627, OMIM 616411.
Collagen 6-related myopathy. Identifiers: MedGen CN117976, MONDO:0100225.

Allele frequency attached by ClinVar (database versions not stated): 1000 Genomes Project 30x 0.01780; 1000 Genomes Project 0.01817; ESP Exome Variant Server 0.00046; TOPMed 0.00548; ExAC 0.00921; gnomAD exomes 0.01000.
gnomAD v4.1: 5,895 of 1,613,540 alleles (0.37%); highest among the groups gnomAD compares: East Asian, 7.6%; 170 homozygotes.

Submissions (17):

Labcorp Genetics (formerly Invitae), Labcorp
Classification: Benign for Bethlem myopathy 1A. Last evaluated: 2026-02-02. Review status: criteria provided, single submitter. Criteria: Invitae Variant Classification Sherloc (09022015). Collection method: clinical testing. Allele origin: germline.

Department of Neurology, Xijing Hospital, Fourth Military Medical University
Classification: Uncertain significance for Dystonia 27. Last evaluated: 2022-10-22. Review status: criteria provided, single submitter. Criteria: ACMG Guidelines, 2015. Collection method: clinical testing. Allele origin: germline.

Fulgent Genetics
Classification: Likely benign for Bethlem myopathy 1A; Ullrich congenital muscular dystrophy 1A; Dystonia 27. Last evaluated: 2021-08-20. Review status: criteria provided, single submitter. Criteria: ACMG Guidelines, 2015. Collection method: clinical testing. Allele origin: unknown.

Athena Diagnostics
Classification: Benign. Last evaluated: 2020-03-31. Review status: criteria provided, single submitter. Criteria: Athena Diagnostics Criteria. Collection method: clinical testing. Allele origin: unknown.

Illumina Laboratory Services, Illumina
Classification: Benign for Collagen VI-related myopathy. Last evaluated: 2018-03-06. Review status: criteria provided, single submitter. Criteria: ICSL Variant Classification Criteria 13 December 2019. Collection method: clinical testing. Allele origin: germline.
Comment: This variant was observed in the ICSL laboratory as part of a predisposition screen in an ostensibly healthy population. It had not been previously curated by ICSL or reported in the Human Gene Mutation Database (HGMD: prior to June 1st, 2018), and was therefore a candidate for classification through an automated scoring system. Utilizing variant allele frequency, disease prevalence and penetrance estimates, and inheritance mode, an automated score was calculated to assess if this variant is too frequent to cause the disease. Based on the score and internal cut-off values, a variant classified as benign is not then subjected to further curation. The score for this variant resulted in a classification of benign for this disease.

Mayo Clinic Laboratories, Mayo Clinic
Classification: Benign. Last evaluated: 2018-03-01. Review status: criteria provided, single submitter. Criteria: ACMG Guidelines, 2015. Collection method: clinical testing. Allele origin: germline. Observed: 9 variant alleles.

Center for Pediatric Genomic Medicine, Children's Mercy Hospital and Clinics
Classification: Likely benign. Last evaluated: 2016-11-03. Review status: criteria provided, single submitter. Criteria: ACMG Guidelines, 2015. Collection method: clinical testing. Allele origin: germline.
ClinVar note: Converted during submission from Likely Benign to Likely benign.

GeneDx
Classification: Benign. Last evaluated: 2016-06-23. Review status: criteria provided, single submitter. Criteria: GeneDx Variant Classification (06012015). Collection method: clinical testing. Allele origin: germline. Affected: yes.
Comment: This variant is considered likely benign or benign based on one or more of the following criteria: it is a conservative change, it occurs at a poorly conserved position in the protein, it is predicted to be benign by multiple in silico algorithms, and/or has population frequency not consistent with disease.

Eurofins Ntd Llc (ga)
Classification: Benign. Last evaluated: 2013-12-19. Review status: criteria provided, single submitter. Criteria: EGL Classification Definitions 2015. Collection method: clinical testing. Allele origin: germline. Observed: 3 variant alleles, 3 heterozygotes.

Breakthrough Genomics
Classification: Likely benign. Review status: criteria provided, single submitter. Criteria: ACMG Guidelines, 2015. Collection method: not provided. Allele origin: germline. Inheritance: Autosomal recessive inheritance. Affected: yes.

PreventionGenetics, part of Exact Sciences
Classification: Likely benign. Review status: criteria provided, single submitter. Criteria: ACMG Guidelines, 2015. Collection method: clinical testing. Allele origin: germline.

Dr. Peter K. Rogan Lab, Western University
No classification provided (evidence only). Condition: Clear cell carcinoma of kidney. Review status: no classification provided. Collection method: in vitro. Allele origin: not applicable. Functional consequence: retained intron. Not counted in ClinVar's aggregate classification.

Dr. Peter K. Rogan Lab, Western University
No classification provided (evidence only). Condition: Familial cancer of breast. Review status: no classification provided. Collection method: in vitro. Allele origin: not applicable. Functional consequence: retained intron. Not counted in ClinVar's aggregate classification.

Dr. Peter K. Rogan Lab, Western University
No classification provided (evidence only). Condition: Familial cancer of breast. Review status: no classification provided. Collection method: in vitro. Allele origin: not applicable. Functional consequence: retained intron. Not counted in ClinVar's aggregate classification.

Dr. Peter K. Rogan Lab, Western University
No classification provided (evidence only). Condition: Thymoma. Review status: no classification provided. Collection method: in vitro. Allele origin: not applicable. Functional consequence: retained intron. Not counted in ClinVar's aggregate classification.

Dr. Peter K. Rogan Lab, Western University
No classification provided (evidence only). Condition: Malignant tumor of esophagus. Review status: no classification provided. Collection method: in vitro. Allele origin: not applicable. Functional consequence: retained intron. Not counted in ClinVar's aggregate classification.

Genetic Services Laboratory, University of Chicago
Classification: Likely benign for AllHighlyPenetrant. Review status: no assertion criteria provided. Collection method: clinical testing. Allele origin: germline. Not counted in ClinVar's aggregate classification.
Comment: Likely benign based on allele frequency in 1000 Genomes Project or ESP global frequency and its presence in a patient with a rare or unrelated disease phenotype. NOT Sanger confirmed.

Literature cited by the submitters: PubMed 15689448 (cited by Athena Diagnostics); PubMed 20981092 (cited by Athena Diagnostics); PubMed 23572247 (cited by Athena Diagnostics).